The following is an entry in ClinVar:

NM_004415.4(DSP):c.1705A>G (p.Lys569Glu)

Gene: DSP (desmoplakin; plus strand). Cytogenetic location: 6p24.3.
Variant type: single nucleotide variant.
Coding change: c.1705A>G on transcript NM_004415.4 (MANE Select); coding-DNA position 1705, A replaced by G.
Protein change: p.Lys569Glu; replaces lysine 569 with glutamic acid.
Molecular consequence: missense variant.
Genome position (GRCh38, 1-based): chr6:7,571,386, A>G. VCF-style: chr6-7571386-A-G. GRCh37 (hg19) VCF-style: chr6-7571619-A-G.
Other names: c.1705A>G, p.Lys569Glu (NM_001008844.3, NM_001319034.2); short protein forms K569E.
Identifiers: ClinVar variation 3072836 (VCV003072836.1), dbSNP rs2533893371, ClinGen allele CA362678885.

ClinVar aggregate classification (germline): Uncertain significance (1 of 4 stars; one submission).

Conditions:
Arrhythmogenic cardiomyopathy with wooly hair and keratoderma. Also called: PALMOPLANTAR KERATODERMA WITH LEFT VENTRICULAR CARDIOMYOPATHY AND WOOLLY HAIR; Carvajal syndrome; Dilated cardiomyopathy with woolly hair and keratoderma; Arrhythmogenic cardiomyopathy with woolly hair and keratoderma. Identifiers: Orphanet 65282, MedGen C1854063, MONDO:0011581, OMIM 605676.

Submission:

All of Us Research Program, National Institutes of Health
Classification: Uncertain significance for Arrhythmogenic cardiomyopathy with wooly hair and keratoderma. Last evaluated: 2023-08-15. Review status: criteria provided, single submitter. Criteria: ACMG Guidelines, 2015. Collection method: clinical testing. Allele origin: germline. Inheritance: Autosomal dominant inheritance. Observed: 1 variant allele, 1 heterozygote.
Comment: This study involves interpretation of variants in research participants for the purpose of population health screening. Participant phenotype was not available at the time of variant classification. Additional details can be found in publication PMID: 35346344, PMCID: PMC8962531